The following is an entry in ClinVar:

NM_001330700.2(TOP2B):c.4669G>A (p.Asp1557Asn)

Gene: TOP2B (DNA topoisomerase II beta; minus strand). Cytogenetic location: 3p24.2.
Variant type: single nucleotide variant.
Coding change: c.4669G>A on transcript NM_001330700.2 (MANE Select); coding-DNA position 4669, G replaced by A.
Protein change: p.Asp1557Asn; replaces aspartic acid 1557 with asparagine.
Molecular consequence: missense variant.
Genome position (GRCh38, 1-based): chr3:25,599,476, C>T on the plus strand (G>A on the coding strand, the complement: TOP2B is on the minus strand). VCF-style: chr3-25599476-C-T. GRCh37 (hg19) VCF-style: chr3-25640967-C-T.
Other names: c.4654G>A, p.Asp1552Asn (NM_001068.3); c.4654G>A (NM_001068.2); short protein forms D1552N, D1557N.
Identifiers: ClinVar variation 1380960 (VCV001380960.9), dbSNP rs764860175, ClinGen allele CA2288022.

ClinVar aggregate classification (germline): Uncertain significance. Review status: criteria provided, multiple submitters, no conflicts (2 of 4 stars). 2 submissions from 2 submitters: Uncertain significance (2). Last evaluated 2025-04-23.

Allele frequency attached by ClinVar (database versions not stated): TOPMed below 0.00001; ExAC 0.00001; gnomAD 0.00001; gnomAD exomes 0.00001.

Submissions (2):

Labcorp Genetics (formerly Invitae), Labcorp
Classification: Uncertain significance. Last evaluated: 2025-04-23. Review status: criteria provided, single submitter. Criteria: Invitae Variant Classification Sherloc (09022015). Collection method: clinical testing. Allele origin: germline.
Comment: This sequence change replaces aspartic acid, which is acidic and polar, with asparagine, which is neutral and polar, at codon 1552 of the TOP2B protein (p.Asp1552Asn). This variant is present in population databases (rs764860175, gnomAD 0.004%). This variant has not been reported in the literature in individuals affected with TOP2B-related conditions. ClinVar contains an entry for this variant (Variation ID: 1380960). An algorithm developed to predict the effect of missense changes on protein structure and function (PolyPhen-2) suggests that this variant is likely to be tolerated. In summary, the available evidence is currently insufficient to determine the role of this variant in disease. Therefore, it has been classified as a Variant of Uncertain Significance.

Ambry Genetics
Classification: Uncertain significance. Last evaluated: 2023-09-23. Review status: criteria provided, single submitter. Criteria: Ambry Variant Classification Scheme 2023. Collection method: clinical testing. Allele origin: germline.